The following is an entry in ClinVar:

NM_000416.3(IFNGR1):c.1160C>T (p.Ser387Phe)

Gene: IFNGR1 (interferon gamma receptor 1; minus strand). Cytogenetic location: 6q23.3.
Variant type: single nucleotide variant.
Coding change: c.1160C>T on transcript NM_000416.3 (MANE Select); coding-DNA position 1160, C replaced by T.
Protein change: p.Ser387Phe; replaces serine 387 with phenylalanine.
Molecular consequence: missense variant.
Genome position (GRCh38, 1-based): chr6:137,198,341, G>A on the plus strand (C>T on the coding strand, the complement: IFNGR1 is on the minus strand). VCF-style: chr6-137198341-G-A. GRCh37 (hg19) VCF-style: chr6-137519478-G-A.
Other names: c.1130C>T, p.Ser377Phe (NM_001363526.1); c.1037C>T, p.Ser346Phe (NM_001363527.1); short protein forms S387F, S377F, S346F.
Identifiers: ClinVar variation 569641 (VCV000569641.11), dbSNP rs1562282319, ClinGen allele CA365772586.

ClinVar aggregate classification (germline): Uncertain significance. Review status: criteria provided, multiple submitters, no conflicts (2 of 4 stars). 2 submissions from 2 submitters: Uncertain significance (2). Last evaluated 2025-03-07.

Conditions:
Disseminated atypical mycobacterial infection. Identifiers: MedGen C0694566.
Inborn genetic diseases. Identifiers: MedGen C0950123, MeSH D030342.

Submissions (2):

Ambry Genetics
Classification: Uncertain significance for Inborn genetic diseases. Last evaluated: 2025-03-07. Review status: criteria provided, single submitter. Criteria: Ambry Variant Classification Scheme 2023. Collection method: clinical testing. Allele origin: germline.

Labcorp Genetics (formerly Invitae), Labcorp
Classification: Uncertain significance for Disseminated atypical mycobacterial infection. Last evaluated: 2018-06-23. Review status: criteria provided, single submitter. Criteria: Invitae Variant Classification Sherloc (09022015). Collection method: clinical testing. Allele origin: germline.
Comment: In summary, the available evidence is currently insufficient to determine the role of this variant in disease. Therefore, it has been classified as a Variant of Uncertain Significance. Algorithms developed to predict the effect of missense changes on protein structure and function are either unavailable or do not agree on the potential impact of this missense change (SIFT: "Deleterious"; PolyPhen-2: "Probably Damaging"; Align-GVGD: "Class C15"). This variant has not been reported in the literature in individuals with IFNGR1-related disease. This variant is not present in population databases (ExAC no frequency). This sequence change replaces serine with phenylalanine at codon 387 of the IFNGR1 protein (p.Ser387Phe). The serine residue is moderately conserved and there is a large physicochemical difference between serine and phenylalanine.